The following is an entry in ClinVar:

NM_006745.5(MSMO1):c.659G>A (p.Arg220His)

Gene: MSMO1 (methylsterol monooxygenase 1; plus strand). Cytogenetic location: 4q32.3.
Variant type: single nucleotide variant.
Coding change: c.659G>A on transcript NM_006745.5 (MANE Select); coding-DNA position 659, G replaced by A.
Protein change: p.Arg220His; replaces arginine 220 with histidine.
Molecular consequence: missense variant.
Genome position (GRCh38, 1-based): chr4:165,340,348, G>A. VCF-style: chr4-165340348-G-A. GRCh37 (hg19) VCF-style: chr4-166261500-G-A.
Other names: c.266G>A, p.Arg89His (NM_001017369.3); short protein forms R89H, R220H.
Identifiers: ClinVar variation 1908721 (VCV001908721.5), dbSNP rs2477921689, ClinGen allele CA358687919.
Genomic context (GRCh38, chr4:165,340,348, plus strand): 5'-TCATTGGAATCGTGCTTTTGTGTGATCATGTAATTCTTCTTTGGGCATGGGTGACCATTC[G>A]TTTATTAGAAACTATTGATGTCCATAGGTGAGTATTAATTTCTGTTCAGGTATAAAGCAT-3'
Protein context (NP_006736.1, residues 210-230): VILLWAWVTI[Arg220His]LLETIDVHSG

ClinVar aggregate classification (germline): Uncertain significance (1 of 4 stars; one submission).

Allele frequency attached by ClinVar (database versions not stated): gnomAD exomes 0.00001.
gnomAD v4.1: 8 of 1,613,590 alleles (0.0005%); highest among the groups gnomAD compares: Non-Finnish European, 0.00068%; no homozygotes.

Submission:

Labcorp Genetics (formerly Invitae), Labcorp
Classification: Uncertain significance. Last evaluated: 2023-07-10. Review status: criteria provided, single submitter. Criteria: Invitae Variant Classification Sherloc (09022015). Collection method: clinical testing. Allele origin: germline.
Comment: In summary, the available evidence is currently insufficient to determine the role of this variant in disease. Therefore, it has been classified as a Variant of Uncertain Significance. Advanced modeling of protein sequence and biophysical properties (such as structural, functional, and spatial information, amino acid conservation, physicochemical variation, residue mobility, and thermodynamic stability) performed at Invitae indicates that this missense variant is expected to disrupt MSMO1 protein function. ClinVar contains an entry for this variant (Variation ID: 1908721). This variant has not been reported in the literature in individuals affected with MSMO1-related conditions. This variant is not present in population databases (gnomAD no frequency). This sequence change replaces arginine, which is basic and polar, with histidine, which is basic and polar, at codon 220 of the MSMO1 protein (p.Arg220His).